The following is an entry in ClinVar:

NM_138775.3(ALKBH8):c.1439A>T (p.Glu480Val)

Gene: ALKBH8 (alkB homolog 8, tRNA methyltransferase; minus strand). Cytogenetic location: 11q22.3.
Variant type: single nucleotide variant.
Coding change: c.1439A>T on transcript NM_138775.3 (MANE Select); coding-DNA position 1439, A replaced by T.
Protein change: p.Glu480Val; replaces glutamic acid 480 with valine.
Molecular consequence: missense variant. On other transcripts: non-coding transcript variant (6).
Genome position (GRCh38, 1-based): chr11:107,505,214, T>A on the plus strand (A>T on the coding strand, the complement: ALKBH8 is on the minus strand). VCF-style: chr11-107505214-T-A. GRCh37 (hg19) VCF-style: chr11-107375940-T-A.
Other names: c.1439A>T, p.Glu480Val (NM_001301010.3); c.1289A>T, p.Glu430Val (NM_001378133.1); short protein forms E430V, E480V.
Identifiers: ClinVar variation 3362304 (VCV003362304.3).

ClinVar aggregate classification (germline): Uncertain significance (1 of 4 stars; one submission).

Conditions:
Intellectual developmental disorder, autosomal recessive 71. Also called: MENTAL RETARDATION, AUTOSOMAL RECESSIVE 71. Identifiers: MedGen C5193133, MONDO:0032789, OMIM 618504.

Submission:

Neuberg Centre For Genomic Medicine, NCGM
Classification: Uncertain significance for Intellectual developmental disorder, autosomal recessive 71. Last evaluated: 2023-06-02. Review status: criteria provided, single submitter. Criteria: ACMG Guidelines, 2015. Collection method: clinical testing. Allele origin: germline. Inheritance: Autosomal recessive inheritance. Affected: yes.
Comment: The missense c.1439A>T (p.Glu480Val) variant in the ALKBH8 gene has not been reported previously as a pathogenic variant nor as a benign variant, to our knowledge. This variant is absent in the gnomAD Exomes. The amino acid Glutamic acid at position 480 is changed to a Valine changing protein sequence and it might alter its composition and physico-chemical properties. Computational evidence (Polyphen - Benign, SIFT - Damaging and MutationTaster - Disease causing) predicts conflicting evidence on protein structure and function for this variant. The amino acid Glutamic acid in ALKBH8 is predicted as conserved by GERP++ and PhyloP across 100 vertebrates. For these reasons, this variant has been classified as Uncertain Significance.